The following is an entry in ClinVar:

NM_006662.3(SRCAP):c.954G>T (p.Arg318Ser)

Gene: SRCAP (Snf2 related CREBBP activator protein; plus strand). Cytogenetic location: 16p11.2.
Variant type: single nucleotide variant.
Coding change: c.954G>T on transcript NM_006662.3 (MANE Select); coding-DNA position 954, G replaced by T.
Protein change: p.Arg318Ser; replaces arginine 318 with serine.
Molecular consequence: missense variant.
Genome position (GRCh38, 1-based): chr16:30,709,948, G>T. VCF-style: chr16-30709948-G-T. GRCh37 (hg19) VCF-style: chr16-30721269-G-T.
Other names: short protein forms R318S.
Identifiers: ClinVar variation 1030129 (VCV001030129.1), dbSNP rs2052869442, ClinGen allele CA395602499.

ClinVar aggregate classification (germline): Uncertain significance (1 of 4 stars; one submission).

Conditions:
Floating-Harbor syndrome (FLHS). Also called: Short stature with delayed bone age, expressive language delay, a triangular face with a prominent nose and deep-set eyes; Pelletier-Leisti syndrome; SRCAP-Related Floating-Harbor Syndrome. Identifiers: Orphanet 2044, MedGen C0729582, MONDO:0007621, OMIM 136140.

Submission:

Baylor Genetics
Classification: Uncertain significance for Floating-Harbor syndrome. Last evaluated: 2020-05-05. Review status: criteria provided, single submitter. Criteria: ACMG Guidelines, 2015. Collection method: clinical testing. Allele origin: unknown. Affected: yes.
Comment: This variant was determined to be of uncertain significance according to ACMG Guidelines, 2015 [PMID:25741868].